The following is an entry in ClinVar:

NM_023034.2(NSD3):c.3798G>C (p.Leu1266=)

Gene: NSD3 (nuclear receptor binding SET domain protein 3; minus strand). Cytogenetic location: 8p11.23.
Variant type: single nucleotide variant.
Coding change: c.3798G>C on transcript NM_023034.2 (MANE Select); coding-DNA position 3798, G replaced by C.
Protein change: p.Leu1266=; no amino-acid change (leucine 1266 retained).
Molecular consequence: synonymous variant.
Genome position (GRCh38, 1-based): chr8:38,278,375, C>G on the plus strand (G>C on the coding strand, the complement: NSD3 is on the minus strand). VCF-style: chr8-38278375-C-G. GRCh37 (hg19) VCF-style: chr8-38135893-C-G.
Identifiers: ClinVar variation 3052725 (VCV003052725.2), dbSNP rs370589580, ClinGen allele CA4716816.
Genomic context (GRCh38, chr8:38,278,375, plus strand): 5'-CACTCCTAGAAAACCACTGCAGTTATCTGCTCCACAGTGGCACTCCGTTCTGCCGTTGCC[C>G]AGACAATCTAGGTTATAATTAAATGTTAACTCCATCCCTGAAACACAGGAGAAATAATTA-3'
Protein context (NP_075447.1, residues 1256-1276): ELTFNYNLDC[Leu1266=]GNGRTECHCG

ClinVar aggregate classification (germline): Likely benign (0 of 4 stars; one submission).

Conditions:
NSD3-related disorder. Also called: NSD3-related condition.

Allele frequency attached by ClinVar (database versions not stated): TOPMed 0.00015; gnomAD 0.00025; ESP Exome Variant Server 0.00033; 1000 Genomes Project 0.00040; 1000 Genomes Project 30x 0.00047; gnomAD exomes 0.00051; ExAC 0.00093.
gnomAD v4.1: 794 of 1,613,966 alleles (0.049%); highest among the groups gnomAD compares: South Asian, 0.59%; 14 homozygotes.

Submission:

PreventionGenetics, part of Exact Sciences
Classification: Likely benign for NSD3-related condition. Last evaluated: 2019-04-04. Review status: no assertion criteria provided. Collection method: clinical testing. Allele origin: germline.
Comment: This variant is classified as likely benign based on ACMG/AMP sequence variant interpretation guidelines (Richards et al. 2015 PMID: 25741868, with internal and published modifications).